The following is an entry in ClinVar:

NM_001040272.6(ADAMTSL1):c.1504G>A (p.Glu502Lys)

Gene: ADAMTSL1 (ADAMTS like 1; plus strand). Cytogenetic location: 9p22.1.
Variant type: single nucleotide variant.
Coding change: c.1504G>A on transcript NM_001040272.6 (MANE Select); coding-DNA position 1504, G replaced by A.
Protein change: p.Glu502Lys; replaces glutamic acid 502 with lysine.
Molecular consequence: missense variant.
Genome position (GRCh38, 1-based): chr9:18,684,730, G>A. VCF-style: chr9-18684730-G-A. GRCh37 (hg19) VCF-style: chr9-18684728-G-A.
Other names: c.1504G>A, p.Glu502Lys (NM_052866.5); short protein forms E502K.
Identifiers: ClinVar variation 2629331 (VCV002629331.1), dbSNP rs967099976, ClinGen allele CA190390789.

ClinVar aggregate classification (germline): Uncertain significance (1 of 4 stars; one submission).

Conditions:
ADAMTSL1-related disorder. Also called: ADAMTSL1-related condition.

Allele frequency attached by ClinVar (database versions not stated): gnomAD 0.00001.
gnomAD v4.1: 19 of 1,612,810 alleles (0.0012%); highest among the groups gnomAD compares: East Asian, 0.0067%; no homozygotes.

Submission:

PreventionGenetics, part of Exact Sciences
Classification: Uncertain significance for ADAMTSL1-related condition. Last evaluated: 2023-04-21. Review status: criteria provided, single submitter. Criteria: ACMG Guidelines, 2015. Collection method: clinical testing. Allele origin: germline.
Comment: The ADAMTSL1 c.1504G>A variant is predicted to result in the amino acid substitution p.Glu502Lys. To our knowledge, this variant has not been reported in the literature or in a large population database, indicating this variant is rare. At this time, the clinical significance of this variant is uncertain due to the absence of conclusive functional and genetic evidence.